The following is an entry in ClinVar:

NM_138927.4(SON):c.2926T>C (p.Ser976Pro)

Gene: SON (SON DNA and RNA binding protein; plus strand). Cytogenetic location: 21q22.11.
Variant type: single nucleotide variant.
Coding change: c.2926T>C on transcript NM_138927.4 (MANE Select); coding-DNA position 2926, T replaced by C.
Protein change: p.Ser976Pro; replaces serine 976 with proline.
Molecular consequence: missense variant. On other transcripts: non-coding transcript variant (1), intron variant (1).
Genome position (GRCh38, 1-based): chr21:33,552,157, T>C. VCF-style: chr21-33552157-T-C. GRCh37 (hg19) VCF-style: chr21-34924463-T-C.
Other names: c.2926T>C, p.Ser976Pro (NM_001291411.2, NM_032195.3); c.245-4999T>C (NM_001291412.3); short protein forms S976P.
Identifiers: ClinVar variation 4770340 (VCV004770340.1).
Genomic context (GRCh38, chr21:33,552,157, plus strand): 5'-TACAGACTAACTCCTGATCCCTATAGGATGTCACCTAGACCCTACAGGATAGCACCCAGG[T>C]CCTATAGAATAGCACCCAGGCCATATAGGTTAGCACCTAGACCCCTGATGTTAGCATCTA-3'
Protein context (NP_620305.3, residues 966-986): SPRPYRIAPR[Ser976Pro]YRIAPRPYRL

ClinVar aggregate classification (germline): Uncertain significance (1 of 4 stars; one submission).

gnomAD v4.1: 1 of 1,614,014 alleles (0.000062%); highest among the groups gnomAD compares: Non-Finnish European, 0.000085%; no homozygotes.

Submission:

Labcorp Genetics (formerly Invitae), Labcorp
Classification: Uncertain significance. Last evaluated: 2025-10-29. Review status: criteria provided, single submitter. Criteria: Invitae Variant Classification Sherloc (09022015). Collection method: clinical testing. Allele origin: germline.
Comment: This sequence change replaces serine, which is neutral and polar, with proline, which is neutral and non-polar, at codon 976 of the SON protein (p.Ser976Pro). This variant is present in population databases (no rsID available, gnomAD 0.0009%). This variant has not been reported in the literature in individuals affected with SON-related conditions. An algorithm developed to predict the effect of missense changes on protein structure and function outputs the following: PolyPhen-2: "Probably Damaging". The proline amino acid residue is found in multiple mammalian species, which suggests that this missense change does not adversely affect protein function. In summary, the available evidence is currently insufficient to determine the role of this variant in disease. Therefore, it has been classified as a Variant of Uncertain Significance.